The following is an entry in ClinVar:

ClinVar aggregate classification (germline): Uncertain significance (1 of 4 stars; one submission).

Submission:

GeneDx
Classification: Uncertain significance. Last evaluated: 2024-06-20. Review status: criteria provided, single submitter. Criteria: GeneDx Variant Classification Process June 2021. Collection method: clinical testing. Allele origin: germline. Affected: yes.
Comment: Not observed at significant frequency in large population cohorts (gnomAD); In silico analysis supports that this missense variant has a deleterious effect on protein structure/function; Has not been previously published as pathogenic or benign to our knowledge

NM_005886.3(KATNB1):c.263G>A (p.Arg88His)

Gene: KATNB1 (katanin regulatory subunit B1; plus strand). Cytogenetic location: 16q21.
Variant type: single nucleotide variant.
Coding change: c.263G>A on transcript NM_005886.3 (MANE Select); coding-DNA position 263, G replaced by A.
Protein change: p.Arg88His; replaces arginine 88 with histidine.
Molecular consequence: missense variant.
Genome position (GRCh38, 1-based): chr16:57,744,485, G>A. VCF-style: chr16-57744485-G-A. GRCh37 (hg19) VCF-style: chr16-57778397-G-A.
Other names: short protein forms R88H.
Identifiers: ClinVar variation 3391526 (VCV003391526.1).